The following is an entry in ClinVar:

NM_021625.5(TRPV4):c.1819C>T (p.Gln607Ter)

Gene: TRPV4 (transient receptor potential cation channel subfamily V member 4; minus strand). Cytogenetic location: 12q24.11.
Variant type: single nucleotide variant.
Coding change: c.1819C>T on transcript NM_021625.5 (MANE Select); coding-DNA position 1819, C replaced by T.
Protein change: p.Gln607Ter; replaces glutamine 607 with a stop codon.
Molecular consequence: nonsense.
Genome position (GRCh38, 1-based): chr12:109,792,657, G>A on the plus strand (C>T on the coding strand, the complement: TRPV4 is on the minus strand). VCF-style: chr12-109792657-G-A. GRCh37 (hg19) VCF-style: chr12-110230462-G-A.
Other names: c.1678C>T, p.Gln560Ter (NM_001177428.2); c.1717C>T, p.Gln573Ter (NM_001177431.2); c.1498C>T, p.Gln500Ter (NM_001177433.2); c.1639C>T, p.Gln547Ter (NM_147204.3); short protein forms Q500*, Q547*, Q560*, Q573*, Q607*.
Identifiers: ClinVar variation 3894569 (VCV003894569.1).
Genomic context (GRCh38, chr12:109,792,657, plus strand): 5'-TGTGTGTGACTCCCTCCAGGAACACACGAGTCCAGAGGGTCCTCCCAGCCCGTACCTTCT[G>A]GATCATGATGCTATAGGTCCCCGTCAGCTTCAGCCCACGGGTGAAGTAAAGGGCATTCAT-3'

ClinVar aggregate classification (germline): Uncertain significance (1 of 4 stars; one submission).

Conditions:
Avascular necrosis of femoral head, primary, 2 (ANFH2). Identifiers: MedGen C4479260, MONDO:0054551, OMIM 617383.

Submission:

MVZ Medizinische Genetik Mainz
Classification: Uncertain significance for Avascular necrosis of femoral head, primary, 2. Last evaluated: 2025-03-20. Review status: criteria provided, single submitter. Criteria: UK Practice Guidelines For Variant Classification V4 01 2020. Collection method: clinical testing. Allele origin: germline. Inheritance: Autosomal dominant inheritance. Affected: yes. Observed: 1 variant allele.
Comment: ACMG Criteria: PVS1_STR,PM2_SUP